The following is an entry in ClinVar:

NM_001035.3(RYR2):c.6468C>T (p.Tyr2156=)

Gene: RYR2 (ryanodine receptor 2; plus strand). Cytogenetic location: 1q43.
Variant type: single nucleotide variant.
Coding change: c.6468C>T on transcript NM_001035.3 (MANE Select); coding-DNA position 6468, C replaced by T.
Protein change: p.Tyr2156=; no amino-acid change (tyrosine 2156 retained).
Molecular consequence: synonymous variant.
Genome position (GRCh38, 1-based): chr1:237,631,454, C>T. VCF-style: chr1-237631454-C-T. GRCh37 (hg19) VCF-style: chr1-237794754-C-T.
Other names: c.6468C>T, p.Tyr2156= (LRG_402t1).
Identifiers: ClinVar variation 386065 (VCV000386065.16), dbSNP rs1057522408, ClinGen allele CA074932.
Genomic context (GRCh38, chr1:237,631,454, plus strand): 5'-AGCTTTACCCCATACGTCCATTGTCCTTTCTAGGGATATTATGAATAACAAAGTGTTTTA[C>T]CAGCACCCTAATCTCATGAGGGCACTGGGGATGCACGAGACTGTGATGGAGGTCATGGTG-3'
Protein context (NP_001026.2, residues 2146-2166): LGDIMNNKVF[Tyr2156=]QHPNLMRALG

ClinVar aggregate classification (germline): Likely benign. Review status: criteria provided, multiple submitters, no conflicts (2 of 4 stars). 5 submissions from 5 submitters: Likely benign (5). Last evaluated 2023-12-19.

Conditions:
Catecholaminergic polymorphic ventricular tachycardia (CVPT). Also called: Catecholamine-induced polymorphic ventricular tachycardia. Identifiers: Orphanet 3286, MedGen C5574922, MONDO:0017990.
Cardiovascular phenotype. Identifiers: MedGen CN230736.
Catecholaminergic polymorphic ventricular tachycardia 1. Also called: RYR2-Related Catecholaminergic Polymorphic Ventricular Tachycardia; VENTRICULAR TACHYCARDIA, CATECHOLAMINERGIC POLYMORPHIC, 1, WITH OR WITHOUT ATRIAL DYSFUNCTION AND/OR DILATED CARDIOMYOPATHY; VENTRICULAR TACHYCARDIA, STRESS-INDUCED POLYMORPHIC 1. Identifiers: Orphanet 3286, MedGen C1631597, MONDO:0011484, OMIM 604772.
Cardiomyopathy (CMYO). Also called: Cardiomyopathies. Identifiers: Orphanet 167848, MedGen C0878544, MONDO:0004994, HP:0001638. Inheritance: Various modes of inheritance.

Allele frequency attached by ClinVar (database versions not stated): gnomAD exomes below 0.00001; gnomAD 0.00001; TOPMed 0.00001.
gnomAD v4.1: 22 of 1,613,196 alleles (0.0014%); highest among the groups gnomAD compares: Non-Finnish European, 0.0018%; no homozygotes.

Submissions (5):

Labcorp Genetics (formerly Invitae), Labcorp
Classification: Likely benign for Catecholaminergic polymorphic ventricular tachycardia 1. Last evaluated: 2023-12-19. Review status: criteria provided, single submitter. Criteria: Invitae Variant Classification Sherloc (09022015). Collection method: clinical testing. Allele origin: germline.

All of Us Research Program, National Institutes of Health
Classification: Likely benign for Catecholaminergic polymorphic ventricular tachycardia. Last evaluated: 2023-08-15. Review status: criteria provided, single submitter. Criteria: ACMG Guidelines, 2015. Collection method: clinical testing. Allele origin: germline. Inheritance: Autosomal dominant inheritance. Observed: 2 variant alleles, 2 heterozygotes.
Comment: This study involves interpretation of variants in research participants for the purpose of population health screening. Participant phenotype was not available at the time of variant classification. Additional details can be found in publication PMID: 35346344, PMCID: PMC8962531

Color Diagnostics, LLC DBA Color Health
Classification: Likely benign for Cardiomyopathy. Last evaluated: 2020-02-09. Review status: criteria provided, single submitter. Criteria: ACMG Guidelines, 2015. Collection method: clinical testing. Allele origin: germline.

Ambry Genetics
Classification: Likely benign for Cardiovascular phenotype. Last evaluated: 2019-08-06. Review status: criteria provided, single submitter. Criteria: Ambry Variant Classification Scheme 2023. Collection method: clinical testing. Allele origin: germline.

GeneDx
Classification: Likely benign. Last evaluated: 2016-05-09. Review status: criteria provided, single submitter. Criteria: GeneDx Variant Classification (06012015). Collection method: clinical testing. Allele origin: germline. Affected: yes.
Comment: This variant is considered likely benign or benign based on one or more of the following criteria: it is a conservative change, it occurs at a poorly conserved position in the protein, it is predicted to be benign by multiple in silico algorithms, and/or has population frequency not consistent with disease.